The following is an entry in ClinVar:

ClinVar aggregate classification (germline): Pathogenic (1 of 4 stars; one submission).

Conditions:
SYNE1-related disorder. Also called: SYNE1-related disease; SYNE1-related condition; SYNE1-related disorders.

Submission:

Women's Health and Genetics/Laboratory Corporation of America, LabCorp
Classification: Pathogenic for SYNE1-Related Disorders. Last evaluated: 2024-01-31. Review status: criteria provided, single submitter. Criteria: LabCorp Variant Classification Summary - May 2015. Collection method: clinical testing. Allele origin: germline.
Comment: Variant summary: SYNE1 c.5267_5277del11 (p.Leu1756TyrfsX2) results in a premature termination codon, predicted to cause a truncation of the encoded protein or absence of the protein due to nonsense mediated decay, which are commonly known mechanisms for disease. The variant was absent in 251220 control chromosomes. To our knowledge, no occurrence of c.5267_5277del11 in individuals affected with SYNE1-Related Disorders and no experimental evidence demonstrating its impact on protein function have been reported. No submitters have cited clinical-significance assessments for this variant to ClinVar. Based on the evidence outlined above, the variant was classified as pathogenic.

NM_182961.4(SYNE1):c.5246_5256del (p.Leu1749fs)

Gene: SYNE1 (spectrin repeat containing nuclear envelope protein 1; minus strand). Cytogenetic location: 6q25.2.
Variant type: Deletion.
Coding change: c.5246_5256del on transcript NM_182961.4 (MANE Select); coding-DNA positions 5246 to 5256, 11 bases deleted (TACCACAGATC).
Protein change: p.Leu1749fs; shifts the reading frame from leucine 1749.
Molecular consequence: frameshift variant.
Genome position (GRCh38, 1-based): chr6:152,425,392-152,425,402, GATCTGTGGTA deleted on the plus strand (TACCACAGATC on the coding strand, the reverse complement: SYNE1 is on the minus strand). VCF-style (leftmost placement, unchanged base first): chr6-152425391-TGATCTGTGGTA-T. GRCh37 (hg19) VCF-style: chr6-152746526-TGATCTGTGGTA-T.
Other names: c.5267_5277del, p.Leu1756fs (NM_033071.5); c.5267_5277del11 (NM_033071.5); short protein forms L1749fs, L1756fs.
Identifiers: ClinVar variation 3063741 (VCV003063741.1), dbSNP rs2497999874, ClinGen allele CA2740091524.